The following is an entry in ClinVar:

NM_020631.6(PLEKHG5):c.1738G>A (p.Glu580Lys)

Gene: PLEKHG5 (pleckstrin homology and RhoGEF domain containing G5; minus strand). Cytogenetic location: 1p36.31.
Variant type: single nucleotide variant.
Coding change: c.1738G>A on transcript NM_020631.6 (MANE Select); coding-DNA position 1738, G replaced by A.
Protein change: p.Glu580Lys; replaces glutamic acid 580 with lysine.
Molecular consequence: missense variant.
Genome position (GRCh38, 1-based): chr1:6,470,298, C>T on the plus strand (G>A on the coding strand, the complement: PLEKHG5 is on the minus strand). VCF-style: chr1-6470298-C-T. GRCh37 (hg19) VCF-style: chr1-6530358-C-T.
Other names: c.1849G>A, p.Glu617Lys (NM_001042663.3, NM_001265592.2); c.1738G>A, p.Glu580Lys (NM_001042664.2, NM_001042665.2, NM_001265594.3 and 1 more transcripts); c.1945G>A, p.Glu649Lys (NM_001265593.2); short protein forms E580K, E649K, E617K.
Identifiers: ClinVar variation 246143 (VCV000246143.21), dbSNP rs760122001, ClinGen allele CA561384.
Genomic context (GRCh38, chr1:6,470,298, plus strand): 5'-TGCTGTCCTTCCCCTCCTTCATCCTCAGGCTCCCCTCCAGCAGCAGCTGCCGCGTCTCCT[C>T]CGGGGAGGCGCCAGGGATGGGCGCTGTCAAGTCCAGGTGCAGAAATTCCTTCAGGAGCTG-3'
Protein context (NP_065682.2, residues 570-590): LTAPIPGASP[Glu580Lys]ETRQLLLEGS

ClinVar aggregate classification (germline): Uncertain significance. Review status: criteria provided, multiple submitters, no conflicts (2 of 4 stars). 5 submissions from 5 submitters: Uncertain significance (5). Last evaluated 2025-04-25.

Conditions:
Inborn genetic diseases. Identifiers: MedGen C0950123, MeSH D030342.
Neuronopathy, distal hereditary motor, autosomal recessive 4. Also called: NEUROPATHY, DISTAL HEREDITARY MOTOR, AUTOSOMAL RECESSIVE 4; Autosomal recessive lower motor neuron disease with childhood onset. Identifiers: Orphanet 206580, MedGen C1970211, MONDO:0012608, OMIM 611067.
Charcot-Marie-Tooth disease recessive intermediate C. Also called: CHARCOT-MARIE-TOOTH NEUROPATHY, RECESSIVE INTERMEDIATE C. Identifiers: Orphanet 369867, MedGen C3809309, MONDO:0014154, OMIM 615376.

Allele frequency attached by ClinVar (database versions not stated): TOPMed 0.00006; gnomAD 0.00013; gnomAD exomes 0.00020.

Submissions (5):

Ambry Genetics
Classification: Uncertain significance for Inborn genetic diseases. Last evaluated: 2025-04-25. Review status: criteria provided, single submitter. Criteria: Ambry Variant Classification Scheme 2023. Collection method: clinical testing. Allele origin: germline.

GeneDx
Classification: Uncertain significance. Last evaluated: 2024-12-18. Review status: criteria provided, single submitter. Criteria: GeneDx Variant Classification Process June 2021. Collection method: clinical testing. Allele origin: germline. Affected: yes.
Comment: Not observed at significant frequency in large population cohorts (gnomAD); In silico analysis supports that this missense variant has a deleterious effect on protein structure/function; Has not been previously published as pathogenic or benign to our knowledge

Blueprint Genetics
Classification: Uncertain significance. Last evaluated: 2023-10-19. Review status: criteria provided, single submitter. Criteria: ACMG Guidelines, 2015. Collection method: clinical testing. Allele origin: germline.

Labcorp Genetics (formerly Invitae), Labcorp
Classification: Uncertain significance for Neuronopathy, distal hereditary motor, autosomal recessive 4; Charcot-Marie-Tooth disease recessive intermediate C. Last evaluated: 2022-07-05. Review status: criteria provided, single submitter. Criteria: Invitae Variant Classification Sherloc (09022015). Collection method: clinical testing. Allele origin: germline.
Comment: This sequence change replaces glutamic acid, which is acidic and polar, with lysine, which is basic and polar, at codon 580 of the PLEKHG5 protein (p.Glu580Lys). This variant is present in population databases (rs760122001, gnomAD 0.02%). This variant has not been reported in the literature in individuals affected with PLEKHG5-related conditions. ClinVar contains an entry for this variant (Variation ID: 246143). Algorithms developed to predict the effect of missense changes on protein structure and function (SIFT, PolyPhen-2, Align-GVGD) all suggest that this variant is likely to be tolerated. In summary, the available evidence is currently insufficient to determine the role of this variant in disease. Therefore, it has been classified as a Variant of Uncertain Significance.

ARUP Laboratories, Molecular Genetics and Genomics, ARUP Laboratories
Classification: Uncertain significance. Last evaluated: 2019-05-02. Review status: criteria provided, single submitter. Criteria: ARUP Molecular Germline Variant Investigation Process. Collection method: clinical testing. Allele origin: germline.
Comment: The PLEKHG5 c.1738G>A; p.Glu580Lys variant (rs760122001), to our knowledge, has not been reported in the medical literature; however, this variant is listed in the ClinVar database as uncertain (Variation ID: 246143). This variant is found in the general population with an allele frequency in non-Finnish European populations of 0.01% (19/128,754 alleles) in the Genome Aggregation Database. The glutamic acid at codon 580 is moderately conserved (Alamut v.2.11) and computational analyses (SIFT, PolyPhen-2) predict that this variant is tolerated. Based on the available information, the clinical significance of this variant is uncertain.